The following is an entry in ClinVar:

NM_152383.5(DIS3L2):c.1A>T (p.Met1Leu)

Gene: DIS3L2 (DIS3 like 3'-5' exoribonuclease 2; plus strand). Cytogenetic location: 2q37.1.
Variant type: single nucleotide variant.
Coding change: c.1A>T on transcript NM_152383.5 (MANE Select); coding-DNA position 1, A replaced by T.
Protein change: p.Met1Leu; changes the start codon (methionine 1).
Molecular consequence: missense variant, initiator codon variant. On other transcripts: non-coding transcript variant (2).
Genome position (GRCh38, 1-based): chr2:232,014,928, A>T. VCF-style: chr2-232014928-A-T. GRCh37 (hg19) VCF-style: chr2-232879638-A-T.
Other names: c.1A>T, p.Met1Leu (NM_001257281.2, NM_001257282.2); short protein forms M1L.
Identifiers: ClinVar variation 647935 (VCV000647935.8), dbSNP rs754758868, ClinGen allele CA2163687.
Genomic context (GRCh38, chr2:232,014,928, plus strand): 5'-CTGAGCTAAGCAGTGGAGGTTTCTCTGGATCTGGAGAGAAGAGTGACCTTGGAGCCAATA[A>T]TGAGCCATCCTGACTACAGAATGAACCTCCGGCCCCTGGGGACCCCCAGAGGTAGTAAAA-3'
Protein context (NP_689596.4, residues 1-11): [Met1Leu]SHPDYRMNLR

ClinVar aggregate classification (germline): Uncertain significance. Review status: criteria provided, multiple submitters, no conflicts (2 of 4 stars). 2 submissions from 2 submitters: Uncertain significance (2). Last evaluated 2023-07-21.

Conditions:
DIS3L2-related disorder. Also called: DIS3L2-related condition.
Perlman syndrome (PRLMNS). Identifiers: Orphanet 2849, MedGen C0796113, MONDO:0009965, OMIM 267000.

Allele frequency attached by ClinVar (database versions not stated): gnomAD exomes below 0.00001; ExAC 0.00001.

Submissions (2):

PreventionGenetics, part of Exact Sciences
Classification: Uncertain significance for DIS3L2-related condition. Last evaluated: 2023-07-21. Review status: criteria provided, single submitter. Criteria: ACMG Guidelines, 2015. Collection method: clinical testing. Allele origin: germline.
Comment: The DIS3L2 c.1A>T variant is predicted to disrupt the translation initiation site (Start Loss). To our knowledge, this variant, or other start loss variants, have not been reported in the literature. This variant is reported in 0.00088% of alleles in individuals of European (Non-Finnish) descent in gnomAD. Although we suspect that this variant may be pathogenic, at this time, the clinical significance of this variant is uncertain due to the absence of conclusive functional and genetic evidence.

Labcorp Genetics (formerly Invitae), Labcorp
Classification: Uncertain significance for Perlman syndrome. Last evaluated: 2023-03-24. Review status: criteria provided, single submitter. Criteria: Invitae Variant Classification Sherloc (09022015). Collection method: clinical testing. Allele origin: germline.
Comment: This sequence change affects the initiator methionine of the DIS3L2 mRNA. The next in-frame methionine is located at codon 8. This variant is present in population databases (rs754758868, gnomAD 0.0009%). This variant has not been reported in the literature in individuals affected with DIS3L2-related conditions. ClinVar contains an entry for this variant (Variation ID: 647935). In summary, the available evidence is currently insufficient to determine the role of this variant in disease. Therefore, it has been classified as a Variant of Uncertain Significance.